The following is an entry in ClinVar:

NM_006258.4(PRKG1):c.478+10G>T

Gene: PRKG1 (protein kinase cGMP-dependent 1; plus strand). Cytogenetic location: 10q21.1.
Variant type: single nucleotide variant.
Coding change: c.478+10G>T on transcript NM_006258.4 (MANE Select); 10 bases into the intron after coding-DNA position 478, G replaced by T.
Molecular consequence: intron variant.
Genome position (GRCh38, 1-based): chr10:51,153,340, G>T. VCF-style: chr10-51153340-G-T. GRCh37 (hg19) VCF-style: chr10-52913100-G-T.
Other names: c.433+10G>T (NM_001098512.3, LRG_1135t2); c.478+10G>T (LRG_1135t1).
Identifiers: ClinVar variation 477779 (VCV000477779.8), dbSNP rs763995628, ClinGen allele CA5503136.
Genomic context (GRCh38, chr10:51,153,340, plus strand): 5'-GTTGCATCATCAAAGAAGGAGACGTGGGGTCACTGGTGTATGTCATGGAAGGTACGGTTT[G>T]TAACTCCAATCCTCTGACATTCAAATATTCTTTTTTCATCTTATCAGCTGCACACAGATG-3'

ClinVar aggregate classification (germline): Likely benign. Review status: criteria provided, multiple submitters, no conflicts (2 of 4 stars). 2 submissions from 2 submitters: Likely benign (2). Last evaluated 2025-12-13.

Conditions:
Aortic aneurysm, familial thoracic 8 (AAT8). Identifiers: MedGen C3809513, MONDO:0014187, OMIM 615436.

Allele frequency attached by ClinVar (database versions not stated): gnomAD 0.00001 and 0.00002; ExAC 0.00003; gnomAD exomes 0.00003; TOPMed 0.00003.
gnomAD v4.1: 44 of 1,588,424 alleles (0.0028%); highest among the groups gnomAD compares: Non-Finnish European, 0.00069%; no homozygotes.

Submissions (2):

Labcorp Genetics (formerly Invitae), Labcorp
Classification: Likely benign for Aortic aneurysm, familial thoracic 8. Last evaluated: 2025-12-13. Review status: criteria provided, single submitter. Criteria: Invitae Variant Classification Sherloc (09022015). Collection method: clinical testing. Allele origin: germline.

GeneDx
Classification: Likely benign. Last evaluated: 2018-04-30. Review status: criteria provided, single submitter. Criteria: GeneDx Variant Classification (06012015). Collection method: clinical testing. Allele origin: germline. Affected: yes.
Comment: This variant is considered likely benign or benign based on one or more of the following criteria: it is a conservative change, it occurs at a poorly conserved position in the protein, it is predicted to be benign by multiple in silico algorithms, and/or has population frequency not consistent with disease.